The following is an entry in ClinVar:

ClinVar aggregate classification (germline): Conflicting classifications of pathogenicity. Review status: criteria provided, conflicting classifications (1 of 4 stars). 2 submissions from 2 submitters: Uncertain significance (1); Likely benign (1). Last evaluated 2026-03-30.

Conditions:
Inborn genetic diseases. Identifiers: MedGen C0950123, MeSH D030342.
Drash syndrome (DDS). Also called: NEPHROPATHY, WILMS TUMOR, AND GENITAL ANOMALIES; WILMS TUMOR AND PSEUDO- OR TRUE HERMAPHRODITISM. Identifiers: Orphanet 220, MedGen C0950121, MONDO:0008682, OMIM 194080.
Wilms tumor 1 (WT1). Also called: Wilms tumor, somatic. Identifiers: Orphanet 654, MedGen CN033288, MONDO:0008679, OMIM 194070.
11p partial monosomy syndrome (WAGR). Also called: CHROMOSOME 11p13 DELETION SYNDROME; WAGR Spectrum Disorder; WAGR syndrome; WAGR Complex. Identifiers: Orphanet 893, MedGen C0206115, MONDO:0008681, OMIM 194072.
Frasier syndrome. Identifiers: Orphanet 347, MedGen C0950122, MeSH D052159, MONDO:0007635, OMIM 136680.

Submissions (2):

Ambry Genetics
Classification: Likely benign for Inborn genetic diseases. Last evaluated: 2026-03-30. Review status: criteria provided, single submitter. Criteria: Ambry Variant Classification Scheme 2023. Collection method: clinical testing. Allele origin: germline.

Labcorp Genetics (formerly Invitae), Labcorp
Classification: Uncertain significance for Wilms tumor 1; Drash syndrome; 11p partial monosomy syndrome; Frasier syndrome. Last evaluated: 2024-12-26. Review status: criteria provided, single submitter. Criteria: Invitae Variant Classification Sherloc (09022015). Collection method: clinical testing. Allele origin: germline.
Comment: This sequence change replaces arginine, which is basic and polar, with serine, which is neutral and polar, at codon 52 of the WT1 protein (p.Arg52Ser). This variant is not present in population databases (gnomAD no frequency). This variant has not been reported in the literature in individuals affected with WT1-related conditions. ClinVar contains an entry for this variant (Variation ID: 1052532). An algorithm developed to predict the effect of missense changes on protein structure and function outputs the following: PolyPhen-2: "Benign". The serine amino acid residue is found in multiple mammalian species, which suggests that this missense change does not adversely affect protein function. In summary, the available evidence is currently insufficient to determine the role of this variant in disease. Therefore, it has been classified as a Variant of Uncertain Significance.

NM_024426.6(WT1):c.169C>A (p.Arg57Ser)

Genes: WT1 (WT1 transcription factor; minus strand), LOC107982234 (WT1/WT1-AS bi-directional promoter region; plus strand). Cytogenetic location: 11p13.
Variant type: single nucleotide variant.
Coding change: c.169C>A on transcript NM_024426.6 (MANE Select); coding-DNA position 169, C replaced by A.
Protein change: p.Arg57Ser; replaces arginine 57 with serine.
Molecular consequence: missense variant. On other transcripts: non-coding transcript variant (1).
Genome position (GRCh38, 1-based): chr11:32,435,192, G>T on the plus strand (C>A on the coding strand, the complement: WT1 is on the minus strand). VCF-style: chr11-32435192-G-T. GRCh37 (hg19) VCF-style: chr11-32456738-G-T.
Other names: c.154C>A (NM_024426.4); c.169C>A, p.Arg57Ser (NM_000378.6, NM_024424.5); short protein forms R57S.
Identifiers: ClinVar variation 1052532 (VCV001052532.8), dbSNP rs961526551, ClinGen allele CA379966239.
Genomic context (GRCh38, chr11:32,435,192, plus strand): 5'-CGGAGCCCATTTGCTGCGGCTCAGACCCGGACGCCCCGCGGCTCCTCCGGCCCTGGAGAC[G>T]TTCAGCGCTGGCCTCGGCGGCGCCTAACTTGGCCCAGATGCCGCCCGGGTCCCGGACTCC-3'
Protein context (NP_077744.4, residues 47-67): KLGAAEASAE[Arg57Ser]LQGRRSRGAS